The following is an entry in ClinVar:

ClinVar aggregate classification (germline): Uncertain significance (1 of 4 stars; one submission).

Conditions:
Hereditary cancer-predisposing syndrome. Also called: Neoplastic Syndromes, Hereditary; Tumor predisposition; Hereditary Cancer Syndrome; Hereditary neoplastic syndrome. Identifiers: Orphanet 140162, MedGen C0027672, MeSH D009386, MONDO:0015356.

Submission:

Ambry Genetics
Classification: Uncertain significance for Hereditary cancer-predisposing syndrome. Last evaluated: 2026-02-17. Review status: criteria provided, single submitter. Criteria: Ambry Variant Classification Scheme 2023. Collection method: clinical testing. Allele origin: germline.
Comment: The p.D903N variant (also known as c.2707G>A), located in coding exon 19 of the TSC1 gene, results from a G to A substitution at nucleotide position 2707. The aspartic acid at codon 903 is replaced by asparagine, an amino acid with highly similar properties. This amino acid position is conserved. In addition, this alteration is predicted to be tolerated by in silico analysis. Based on the available evidence, the clinical significance of this variant remains unclear.

NM_000368.5(TSC1):c.2707G>A (p.Asp903Asn)

Gene: TSC1 (TSC complex subunit 1; minus strand). Cytogenetic location: 9q34.13.
Variant type: single nucleotide variant.
Coding change: c.2707G>A on transcript NM_000368.5 (MANE Select); coding-DNA position 2707, G replaced by A.
Protein change: p.Asp903Asn; replaces aspartic acid 903 with asparagine.
Molecular consequence: missense variant. On other transcripts: non-coding transcript variant (5).
Genome position (GRCh38, 1-based): chr9:132,897,529, C>T on the plus strand (G>A on the coding strand, the complement: TSC1 is on the minus strand). VCF-style: chr9-132897529-C-T. GRCh37 (hg19) VCF-style: chr9-135772916-C-T.
Other names: c.2704G>A, p.Asp902Asn (NM_001162426.2, NM_001406597.1, NM_001406598.1 and 2 more transcripts); c.2554G>A, p.Asp852Asn (NM_001162427.2, NM_001406610.1); c.2344G>A, p.Asp782Asn (NM_001362177.2, NM_001406614.1, NM_001406615.1 and 4 more transcripts); c.2707G>A, p.Asp903Asn (NM_001406592.1, NM_001406593.1, NM_001406594.1 and 2 more transcripts); c.2692G>A, p.Asp898Asn (NM_001406601.1, NM_001406602.1); c.2551G>A, p.Asp851Asn (NM_001406612.1, NM_001406611.1); c.2509G>A, p.Asp837Asn (NM_001406613.1); c.2341G>A, p.Asp781Asn (NM_001406620.1, NM_001406621.1, NM_001406622.1 and 1 more transcripts); and 8 more; short protein forms D585N, D782N, D837N, D889N, D586N, D851N, D768N, D897N.
Identifiers: ClinVar variation 4844234 (VCV004844234.1).